The following is an entry in ClinVar:

NM_203447.4(DOCK8):c.2569C>T (p.Arg857Cys)

Gene: DOCK8 (dedicator of cytokinesis 8; plus strand). Cytogenetic location: 9p24.3.
Variant type: single nucleotide variant.
Coding change: c.2569C>T on transcript NM_203447.4 (MANE Select); coding-DNA position 2569, C replaced by T.
Protein change: p.Arg857Cys; replaces arginine 857 with cysteine.
Molecular consequence: missense variant.
Genome position (GRCh38, 1-based): chr9:379,899, C>T. VCF-style: chr9-379899-C-T. GRCh37 (hg19) VCF-style: chr9-379899-C-T.
Other names: c.2365C>T, p.Arg789Cys (NM_001190458.2, NM_001193536.2); short protein forms R789C, R857C.
Identifiers: ClinVar variation 1061223 (VCV001061223.8), dbSNP rs749747387, ClinGen allele CA4958232.

ClinVar aggregate classification (germline): Uncertain significance (1 of 4 stars; one submission).

Allele frequency attached by ClinVar (database versions not stated): ExAC 0.00001.
gnomAD v4.1: 11 of 1,614,016 alleles (0.00068%); highest among the groups gnomAD compares: Admixed American, 0.0017%; no homozygotes.

Submission:

Labcorp Genetics (formerly Invitae), Labcorp
Classification: Uncertain significance for Combined immunodeficiency due to DOCK8 deficiency. Last evaluated: 2022-07-05. Review status: criteria provided, single submitter. Criteria: Invitae Variant Classification Sherloc (09022015). Collection method: clinical testing. Allele origin: germline.
Comment: In summary, the available evidence is currently insufficient to determine the role of this variant in disease. Therefore, it has been classified as a Variant of Uncertain Significance. Algorithms developed to predict the effect of missense changes on protein structure and function are either unavailable or do not agree on the potential impact of this missense change (SIFT: "Deleterious"; PolyPhen-2: "Benign"; Align-GVGD: "Class C35"). ClinVar contains an entry for this variant (Variation ID: 1061223). This variant has not been reported in the literature in individuals affected with DOCK8-related conditions. This variant is present in population databases (rs749747387, gnomAD 0.003%). This sequence change replaces arginine, which is basic and polar, with cysteine, which is neutral and slightly polar, at codon 857 of the DOCK8 protein (p.Arg857Cys).